The following is an entry in ClinVar:

ClinVar aggregate classification (germline): Uncertain significance (1 of 4 stars; one submission).

Conditions:
Catecholaminergic polymorphic ventricular tachycardia (CVPT). Also called: Catecholamine-induced polymorphic ventricular tachycardia. Identifiers: Orphanet 3286, MedGen C5574922, MONDO:0017990.

Submission:

Labcorp Genetics (formerly Invitae), Labcorp
Classification: Uncertain significance for Catecholaminergic polymorphic ventricular tachycardia 1. Last evaluated: 2017-09-27. Review status: criteria provided, single submitter. Criteria: Invitae Variant Classification Sherloc (09022015). Collection method: clinical testing. Allele origin: germline.
Comment: This sequence change replaces proline with alanine at codon 1395 of the RYR2 protein (p.Pro1395Ala). The proline residue is highly conserved and there is a small physicochemical difference between proline and alanine. This variant is not present in population databases (ExAC no frequency). This variant has not been reported in the literature in individuals with RYR2-related disease. This variant does not occur within one of the three regions of the RYR2 gene (N-terminal domain, central domain, or channel region) where other pathogenic variants have been reported to cluster (PMID: 19926015) Algorithms developed to predict the effect of missense changes on protein structure and function do not agree on the potential impact of this missense change (SIFT: "Deleterious"; PolyPhen-2: "Benign"; Align-GVGD: "Class C25"). In summary, the available evidence is currently insufficient to determine the role of this variant in disease. Therefore, it has been classified as a Variant of Uncertain Significance.

Literature cited by the submitters: PubMed 19926015.

NM_001035.3(RYR2):c.4183C>G (p.Pro1395Ala)

Gene: RYR2 (ryanodine receptor 2; plus strand). Cytogenetic location: 1q43.
Variant type: single nucleotide variant.
Coding change: c.4183C>G on transcript NM_001035.3 (MANE Select); coding-DNA position 4183, C replaced by G.
Protein change: p.Pro1395Ala; replaces proline 1395 with alanine.
Molecular consequence: missense variant.
Genome position (GRCh38, 1-based): chr1:237,591,761, C>G. VCF-style: chr1-237591761-C-G. GRCh37 (hg19) VCF-style: chr1-237755061-C-G.
Other names: c.4183C>G, p.Pro1395Ala (LRG_402t1); short protein forms P1395A.
Identifiers: ClinVar variation 532326 (VCV000532326.2), dbSNP rs1553515418, ClinGen allele CA345398374.